The following is an entry in ClinVar:

ClinVar aggregate classification (germline): Uncertain significance (1 of 4 stars; one submission).

Submission:

Labcorp Genetics (formerly Invitae), Labcorp
Classification: Uncertain significance. Last evaluated: 2025-12-01. Review status: criteria provided, single submitter. Criteria: Invitae Variant Classification Sherloc (09022015). Collection method: clinical testing. Allele origin: germline.
Comment: This sequence change replaces histidine, which is basic and polar, with proline, which is neutral and non-polar, at codon 186 of the ACVR1 protein (p.His186Pro). This variant is not present in population databases (gnomAD no frequency). This variant has not been reported in the literature in individuals affected with ACVR1-related conditions. ClinVar contains an entry for this variant (Variation ID: 1912793). An algorithm developed to predict the effect of missense changes on protein structure and function (PolyPhen-2) suggests that this variant is likely to be disruptive. In summary, the available evidence is currently insufficient to determine the role of this variant in disease. Therefore, it has been classified as a Variant of Uncertain Significance.

NM_001111067.4(ACVR1):c.557A>C (p.His186Pro)

Gene: ACVR1 (activin A receptor type 1; minus strand). Cytogenetic location: 2q24.1.
Variant type: single nucleotide variant.
Coding change: c.557A>C on transcript NM_001111067.4 (MANE Select); coding-DNA position 557, A replaced by C.
Protein change: p.His186Pro; replaces histidine 186 with proline.
Molecular consequence: missense variant.
Genome position (GRCh38, 1-based): chr2:157,774,174, T>G on the plus strand (A>C on the coding strand, the complement: ACVR1 is on the minus strand). VCF-style: chr2-157774174-T-G. GRCh37 (hg19) VCF-style: chr2-158630686-T-G.
Other names: c.557A>C, p.His186Pro (NM_001105.5, NM_001347663.1, NM_001347664.1 and 3 more transcripts); short protein forms H186P.
Identifiers: ClinVar variation 1912793 (VCV001912793.5), dbSNP rs766710069, ClinGen allele CA349192671.